The following is an entry in ClinVar:

ClinVar aggregate classification (germline): Uncertain significance (1 of 4 stars; one submission).

Conditions:
BBS7-related disorder. Also called: BBS7-related condition.

Submission:

PreventionGenetics, part of Exact Sciences
Classification: Uncertain significance for BBS7-related condition. Last evaluated: 2026-03-20. Review status: criteria provided, single submitter. Criteria: ACMG Guidelines, 2015. Collection method: clinical testing. Allele origin: germline.
Comment: The BBS7 c.796G>A variant is predicted to result in the amino acid substitution p.Val266Met. To our knowledge, this variant has not been reported in the literature or in a large population database (gnomAD), indicating this variant is rare. At this time, the clinical significance of this variant is uncertain due to the absence of conclusive functional and genetic evidence.

NM_176824.3(BBS7):c.796G>A (p.Val266Met)

Gene: BBS7 (Bardet-Biedl syndrome 7; minus strand). Cytogenetic location: 4q27.
Variant type: single nucleotide variant.
Coding change: c.796G>A on transcript NM_176824.3 (MANE Select); coding-DNA position 796, G replaced by A.
Protein change: p.Val266Met; replaces valine 266 with methionine.
Molecular consequence: missense variant.
Genome position (GRCh38, 1-based): chr4:121,853,009, C>T on the plus strand (G>A on the coding strand, the complement: BBS7 is on the minus strand). VCF-style: chr4-121853009-C-T. GRCh37 (hg19) VCF-style: chr4-122774164-C-T.
Other names: c.796G>A, p.Val266Met (NM_018190.4); short protein forms V266M.
Identifiers: ClinVar variation 4995662 (VCV004995662.1).